The following is an entry in ClinVar:

ClinVar aggregate classification (germline): Uncertain significance. Review status: criteria provided, multiple submitters, no conflicts (2 of 4 stars). 2 submissions from 2 submitters: Uncertain significance (2). Last evaluated 2025-05-05.

Conditions:
Inborn genetic diseases. Identifiers: MedGen C0950123, MeSH D030342.

Allele frequency attached by ClinVar (database versions not stated): TOPMed 0.00004; ESP Exome Variant Server 0.00016; ExAC 0.00003; gnomAD exomes 0.00004 and 0.00003; gnomAD 0.00004.
gnomAD v4.1: 69 of 1,614,116 alleles (0.0043%); highest among the groups gnomAD compares: Non-Finnish European, 0.0056%; no homozygotes.

Submissions (2):

Ambry Genetics
Classification: Uncertain significance for Inborn genetic diseases. Last evaluated: 2025-05-05. Review status: criteria provided, single submitter. Criteria: Ambry Variant Classification Scheme 2023. Collection method: clinical testing. Allele origin: germline.

Labcorp Genetics (formerly Invitae), Labcorp
Classification: Uncertain significance. Last evaluated: 2022-08-19. Review status: criteria provided, single submitter. Criteria: Invitae Variant Classification Sherloc (09022015). Collection method: clinical testing. Allele origin: germline.
Comment: This sequence change replaces isoleucine, which is neutral and non-polar, with threonine, which is neutral and polar, at codon 771 of the LRRK1 protein (p.Ile771Thr). This variant is present in population databases (rs201803929, gnomAD 0.007%). This variant has not been reported in the literature in individuals affected with LRRK1-related conditions. ClinVar contains an entry for this variant (Variation ID: 1383109). Algorithms developed to predict the effect of missense changes on protein structure and function are either unavailable or do not agree on the potential impact of this missense change (SIFT: "Tolerated"; PolyPhen-2: "Possibly Damaging"; Align-GVGD: "Class C0"). In summary, the available evidence is currently insufficient to determine the role of this variant in disease. Therefore, it has been classified as a Variant of Uncertain Significance.

NM_024652.6(LRRK1):c.2312T>C (p.Ile771Thr)

Gene: LRRK1 (leucine rich repeat kinase 1; plus strand). Cytogenetic location: 15q26.3.
Variant type: single nucleotide variant.
Coding change: c.2312T>C on transcript NM_024652.6 (MANE Select); coding-DNA position 2312, T replaced by C.
Protein change: p.Ile771Thr; replaces isoleucine 771 with threonine.
Molecular consequence: missense variant.
Genome position (GRCh38, 1-based): chr15:101,026,044, T>C. VCF-style: chr15-101026044-T-C. GRCh37 (hg19) VCF-style: chr15-101566249-T-C.
Other names: c.2312T>C (NM_024652.3); short protein forms I771T.
Identifiers: ClinVar variation 1383109 (VCV001383109.6), dbSNP rs201803929, ClinGen allele CA7761188.